The following is an entry in ClinVar:

ClinVar aggregate classification (germline): Uncertain significance. Review status: criteria provided, multiple submitters, no conflicts (2 of 4 stars). 2 submissions from 2 submitters: Uncertain significance (2). Last evaluated 2024-07-22.

Allele frequency attached by ClinVar (database versions not stated): ExAC 0.00001; gnomAD 0.00001 and 0.00002; TOPMed 0.00001.
gnomAD v4.1: 19 of 1,608,844 alleles (0.0012%); highest among the groups gnomAD compares: East Asian, 0.0045%; no homozygotes.

Submissions (2):

Labcorp Genetics (formerly Invitae), Labcorp
Classification: Uncertain significance. Last evaluated: 2024-07-22. Review status: criteria provided, single submitter. Criteria: Invitae Variant Classification Sherloc (09022015). Collection method: clinical testing. Allele origin: germline.
Comment: This sequence change replaces glycine, which is neutral and non-polar, with serine, which is neutral and polar, at codon 635 of the COL9A2 protein (p.Gly635Ser). This variant is present in population databases (rs768840439, gnomAD 0.01%). This variant has not been reported in the literature in individuals affected with COL9A2-related conditions. ClinVar contains an entry for this variant (Variation ID: 1474915). Advanced modeling of protein sequence and biophysical properties (such as structural, functional, and spatial information, amino acid conservation, physicochemical variation, residue mobility, and thermodynamic stability) performed at Invitae indicates that this missense variant is expected to disrupt COL9A2 protein function with a positive predictive value of 95%. In summary, the available evidence is currently insufficient to determine the role of this variant in disease. Therefore, it has been classified as a Variant of Uncertain Significance.

Blueprint Genetics
Classification: Uncertain significance. Last evaluated: 2024-01-29. Review status: criteria provided, single submitter. Criteria: ACMG Guidelines, 2015. Collection method: clinical testing. Allele origin: germline.

NM_001852.4(COL9A2):c.1903G>A (p.Gly635Ser)

Gene: COL9A2 (collagen type IX alpha 2 chain; minus strand). Cytogenetic location: 1p34.2.
Variant type: single nucleotide variant.
Coding change: c.1903G>A on transcript NM_001852.4 (MANE Select); coding-DNA position 1903, G replaced by A.
Protein change: p.Gly635Ser; replaces glycine 635 with serine.
Molecular consequence: missense variant.
Genome position (GRCh38, 1-based): chr1:40,301,349, C>T on the plus strand (G>A on the coding strand, the complement: COL9A2 is on the minus strand). VCF-style: chr1-40301349-C-T. GRCh37 (hg19) VCF-style: chr1-40767021-C-T.
Other names: short protein forms G635S.
Identifiers: ClinVar variation 1474915 (VCV001474915.7), dbSNP rs768840439, ClinGen allele CA791278.